The following is an entry in ClinVar:

NM_007357.3(COG2):c.1509del (p.Lys503fs)

Gene: COG2 (component of oligomeric golgi complex 2; plus strand). Cytogenetic location: 1q42.2.
Variant type: Deletion.
Coding change: c.1509del on transcript NM_007357.3 (MANE Select); coding-DNA position 1509, one base deleted (G; older notation c.1509delG).
Protein change: p.Lys503fs; shifts the reading frame from lysine 503.
Molecular consequence: frameshift variant.
Genome position (GRCh38, 1-based): chr1:230,687,063, G deleted. VCF-style (leftmost placement, unchanged base first): chr1-230687062-AG-A. GRCh37 (hg19) VCF-style: chr1-230822808-AG-A.
Other names: c.1509del, p.Lys503fs (NM_001145036.2); short protein forms K503fs.
Identifiers: ClinVar variation 4753913 (VCV004753913.1).

ClinVar aggregate classification (germline): Pathogenic (1 of 4 stars; one submission).

Conditions:
Congenital disorder of glycosylation, type IIq. Also called: CDG IIq. Identifiers: Orphanet 435934, MedGen C4479353, MONDO:0054559, OMIM 617395.

Submission:

Labcorp Genetics (formerly Invitae), Labcorp
Classification: Pathogenic for Congenital disorder of glycosylation, type IIq. Last evaluated: 2025-09-06. Review status: criteria provided, single submitter. Criteria: Invitae Variant Classification Sherloc (09022015). Collection method: clinical testing. Allele origin: germline.
Comment: This sequence change creates a premature translational stop signal (p.Lys503Asnfs*31) in the COG2 gene. It is expected to result in an absent or disrupted protein product. Loss-of-function variants in COG2 are known to be pathogenic (PMID: 24784932). This variant is present in population databases (rs765135236, gnomAD 0.007%). This variant has not been reported in the literature in individuals affected with COG2-related conditions. For these reasons, this variant has been classified as Pathogenic.

Literature cited by the submitters: PubMed 24784932.